The following is an entry in ClinVar:

ClinVar aggregate classification (germline): Pathogenic. Review status: criteria provided, multiple submitters, no conflicts (2 of 4 stars). 2 submissions from 2 submitters: Pathogenic (2). Last evaluated 2025-01-14.

Submissions (2):

GeneDx
Classification: Pathogenic. Last evaluated: 2025-01-14. Review status: criteria provided, single submitter. Criteria: GeneDx Variant Classification Process June 2021. Collection method: clinical testing. Allele origin: germline. Affected: yes.
Comment: Identified in unrelated females with features of EFNB1-related craniofrontonasal dysplasia in published literature (PMID: 16685650, 23851793); RNA studies demonstrate a damaging effect on splicing (PMID: 16685650); Not observed at significant frequency in large population cohorts (gnomAD); In silico analysis supports a deleterious effect on splicing; This variant is associated with the following publications: (PMID: 16685650, 23851793)

Labcorp Genetics (formerly Invitae), Labcorp
Classification: Pathogenic. Last evaluated: 2024-08-19. Review status: criteria provided, single submitter. Criteria: Invitae Variant Classification Sherloc (09022015). Collection method: clinical testing. Allele origin: germline.
Comment: This sequence change affects codon 10 of the EFNB1 mRNA. It is a 'silent' change, meaning that it does not change the encoded amino acid sequence of the EFNB1 protein. This variant is not present in population databases (gnomAD no frequency). This variant has been observed in individual(s) with clinical features of craniofrontonasal dysplasia and/or craniofrontonasal syndrome (PMID: 16685650, 23851793; Invitae). In at least one individual the variant was observed to be de novo. Algorithms developed to predict the effect of sequence changes on RNA splicing suggest that this variant may create or strengthen a splice site. For these reasons, this variant has been classified as Pathogenic.

Literature cited by the submitters: PubMed 16685650 (cited by Labcorp Genetics (formerly Invitae), Labcorp); PubMed 23851793 (cited by Labcorp Genetics (formerly Invitae), Labcorp).

NM_004429.5(EFNB1):c.30C>T (p.Gly10=)

Gene: EFNB1 (ephrin B1; plus strand). Cytogenetic location: Xq13.1.
Variant type: single nucleotide variant.
Coding change: c.30C>T on transcript NM_004429.5 (MANE Select); coding-DNA position 30, C replaced by T.
Protein change: p.Gly10=; no amino-acid change (glycine 10 retained).
Molecular consequence: synonymous variant.
Genome position (GRCh38, 1-based): chrX:68,829,806, C>T. VCF-style: chrX-68829806-C-T. GRCh37 (hg19) VCF-style: chrX-68049649-C-T.
Other names: c.30C>T (NM_004429.4).
Identifiers: ClinVar variation 3724252 (VCV003724252.3).
Genomic context (GRCh38, chrX:68,829,806, plus strand): 5'-GGATCCCGAAGTGCAGTCTGCCCCCGGGAAGATGGCTCGGCCTGGGCAGCGTTGGCTCGG[C>T]AAGTGGCTTGTGGCGATGGTCGTGTGGGCGCTGTGCCGGCTCGCCACACCGCTGGCCAAG-3'
Protein context (NP_004420.1, residues 1-20): MARPGQRWL[Gly10=]KWLVAMVVWA